The following is an entry in ClinVar:

ClinVar aggregate classification (germline): Uncertain significance (1 of 4 stars; one submission).

Submission:

Women's Health and Genetics/Laboratory Corporation of America, LabCorp
Classification: Uncertain significance. Last evaluated: 2024-08-16. Review status: criteria provided, single submitter. Criteria: LabCorp Variant Classification Summary - May 2015. Collection method: clinical testing. Allele origin: germline.
Comment: Variant summary: POLR2A c.3793G>A (p.Asp1265Asn) results in a conservative amino acid change in the encoded protein sequence. Three of five in-silico tools predict a damaging effect of the variant on protein function. The variant allele was found at a frequency of 8e-06 in 251438 control chromosomes (gnomAD). The available data on variant occurrences in the general population are insufficient to allow any conclusion about variant significance. c.3793G>A has been reported in the literature as a de novo occurrence in an individual affected with a Developmental disorder (Kaplanis_2020). This report does not provide unequivocal conclusions about association of the variant with Neurodevelopmental Disorder With Hypotonia And Variable Intellectual And Behavioral Abnormalities. To our knowledge, no experimental evidence demonstrating an impact on protein function has been reported. The following publication has been ascertained in the context of this evaluation (PMID: 33057194). No submitters have cited clinical-significance assessments for this variant to ClinVar. Based on the evidence outlined above, the variant was classified as uncertain significance.

Literature cited by the submitters: PubMed 33057194.

NM_000937.5(POLR2A):c.3793G>A (p.Asp1265Asn)

Gene: POLR2A (RNA polymerase II subunit A; plus strand). Cytogenetic location: 17p13.1.
Variant type: single nucleotide variant.
Coding change: c.3793G>A on transcript NM_000937.5 (MANE Select); coding-DNA position 3793, G replaced by A.
Protein change: p.Asp1265Asn; replaces aspartic acid 1265 with asparagine.
Molecular consequence: missense variant.
Genome position (GRCh38, 1-based): chr17:7,509,612, G>A. VCF-style: chr17-7509612-G-A. GRCh37 (hg19) VCF-style: chr17-7412931-G-A.
Other names: short protein forms D1265N.
Identifiers: ClinVar variation 3366746 (VCV003366746.1).